The following is an entry in ClinVar:

NM_006084.5(IRF9):c.236T>C (p.Val79Ala)

Gene: IRF9 (interferon regulatory factor 9; plus strand). Cytogenetic location: 14q12.
Variant type: single nucleotide variant.
Coding change: c.236T>C on transcript NM_006084.5 (MANE Select); coding-DNA position 236, T replaced by C.
Protein change: p.Val79Ala; replaces valine 79 with alanine.
Molecular consequence: missense variant.
Genome position (GRCh38, 1-based): chr14:24,163,021, T>C. VCF-style: chr14-24163021-T-C. GRCh37 (hg19) VCF-style: chr14-24632230-T-C.
Other names: c.236T>C, p.Val79Ala (NM_001385400.1, NM_001385401.1, NM_001385402.1); short protein forms V79A.
Identifiers: ClinVar variation 2909451 (VCV002909451.3), dbSNP rs542171718, ClinGen allele CA7126390.

ClinVar aggregate classification (germline): Uncertain significance (1 of 4 stars; one submission).

Allele frequency attached by ClinVar (database versions not stated): TOPMed 0.00001; gnomAD 0.00003; gnomAD exomes 0.00008; ExAC 0.00016; 1000 Genomes Project 30x 0.00031; 1000 Genomes Project 0.00040.
gnomAD v4.1: 131 of 1,614,084 alleles (0.0081%); highest among the groups gnomAD compares: South Asian, 0.12%; 2 homozygotes.

Submission:

Labcorp Genetics (formerly Invitae), Labcorp
Classification: Uncertain significance. Last evaluated: 2023-10-05. Review status: criteria provided, single submitter. Criteria: Invitae Variant Classification Sherloc (09022015). Collection method: clinical testing. Allele origin: germline.
Comment: This sequence change replaces valine, which is neutral and non-polar, with alanine, which is neutral and non-polar, at codon 79 of the IRF9 protein (p.Val79Ala). This variant is present in population databases (rs542171718, gnomAD 0.1%), and has an allele count higher than expected for a pathogenic variant. This variant has not been reported in the literature in individuals affected with IRF9-related conditions. Algorithms developed to predict the effect of missense changes on protein structure and function output the following: SIFT: "Not Available"; PolyPhen-2: "Benign"; Align-GVGD: "Not Available". The alanine amino acid residue is found in multiple mammalian species, which suggests that this missense change does not adversely affect protein function. In summary, the available evidence is currently insufficient to determine the role of this variant in disease. Therefore, it has been classified as a Variant of Uncertain Significance.